The following is an entry in ClinVar:

NM_006421.5(ARFGEF1):c.1145T>G (p.Val382Gly)

Gene: ARFGEF1 (ARF guanine nucleotide exchange factor 1; minus strand). Cytogenetic location: 8q13.2.
Variant type: single nucleotide variant.
Coding change: c.1145T>G on transcript NM_006421.5 (MANE Select); coding-DNA position 1145, T replaced by G.
Protein change: p.Val382Gly; replaces valine 382 with glycine.
Molecular consequence: missense variant. On other transcripts: non-coding transcript variant (1), intron variant (1).
Genome position (GRCh38, 1-based): chr8:67,277,340, A>C on the plus strand (T>G on the coding strand, the complement: ARFGEF1 is on the minus strand). VCF-style: chr8-67277340-A-C. GRCh37 (hg19) VCF-style: chr8-68189575-A-C.
Other names: c.1145T>G, p.Val382Gly (NM_001413184.1, NM_001413185.1, NM_001413186.1 and 7 more transcripts); c.545T>G, p.Val182Gly (NM_001413188.1, NM_001413193.1, NM_001413197.1); c.-88-5404T>G (NM_001413196.1); short protein forms V182G, V382G.
Identifiers: ClinVar variation 3393606 (VCV003393606.1).

ClinVar aggregate classification (germline): Uncertain significance (1 of 4 stars; one submission).

Submission:

GeneDx
Classification: Uncertain significance. Last evaluated: 2024-07-06. Review status: criteria provided, single submitter. Criteria: GeneDx Variant Classification Process June 2021. Collection method: clinical testing. Allele origin: germline. Affected: yes.
Comment: Not observed at significant frequency in large population cohorts (gnomAD); In silico analysis indicates that this missense variant does not alter protein structure/function; Has not been previously published as pathogenic or benign to our knowledge